The following is an entry in ClinVar:

ClinVar aggregate classification (germline): Uncertain significance (1 of 4 stars; one submission).

Conditions:
Hereditary nonpolyposis colorectal neoplasms. Identifiers: MedGen C0009405, MeSH D003123.

Submission:

Labcorp Genetics (formerly Invitae), Labcorp
Classification: Uncertain significance for Hereditary nonpolyposis colorectal neoplasms. Last evaluated: 2021-11-09. Review status: criteria provided, single submitter. Criteria: Invitae Variant Classification Sherloc (09022015). Collection method: clinical testing. Allele origin: germline.
Comment: This variant is not present in population databases (gnomAD no frequency). This sequence change replaces cysteine, which is neutral and slightly polar, with tyrosine, which is neutral and polar, at codon 1075 of the MSH6 protein (p.Cys1075Tyr). This variant has not been reported in the literature in individuals affected with MSH6-related conditions. In summary, the available evidence is currently insufficient to determine the role of this variant in disease. Therefore, it has been classified as a Variant of Uncertain Significance. Advanced modeling of protein sequence and biophysical properties (such as structural, functional, and spatial information, amino acid conservation, physicochemical variation, residue mobility, and thermodynamic stability) performed at Invitae indicates that this missense variant is expected to disrupt MSH6 protein function.

NM_000179.3(MSH6):c.3224G>A (p.Cys1075Tyr)

Gene: MSH6 (mutS homolog 6; plus strand). Cytogenetic location: 2p16.3.
Variant type: single nucleotide variant.
Coding change: c.3224G>A on transcript NM_000179.3 (MANE Select); coding-DNA position 3224, G replaced by A.
Protein change: p.Cys1075Tyr; replaces cysteine 1075 with tyrosine.
Molecular consequence: missense variant.
Genome position (GRCh38, 1-based): chr2:47,803,471, G>A. VCF-style: chr2-47803471-G-A. GRCh37 (hg19) VCF-style: chr2-48030610-G-A.
Other names: c.2834G>A, p.Cys945Tyr (NM_001281492.2); c.2318G>A, p.Cys773Tyr (NM_001281493.2, NM_001281494.2); short protein forms C945Y, C1075Y, C773Y.
Identifiers: ClinVar variation 1488049 (VCV001488049.6), dbSNP rs2104474174, ClinGen allele CA346758009.
Genomic context (GRCh38, chr2:47,803,471, plus strand): 5'-TTTTAACAGATGTTTTACTGTGCCTGGCTAACTATAGTCGAGGGGGTGATGGTCCTATGT[G>A]TCGCCCAGTAATTCTGTTGCCGGAAGATACCCCCCCCTTCTTAGAGCTTAAAGGATCACG-3'
Protein context (NP_000170.1, residues 1065-1085): NYSRGGDGPM[Cys1075Tyr]RPVILLPEDT